The following is an entry in ClinVar:

NM_001032283.3(TMPO):c.*1A>G

Gene: TMPO (thymopoietin; plus strand). Cytogenetic location: 12q23.1.
Variant type: single nucleotide variant.
Coding change: c.*1A>G on transcript NM_001032283.3 (MANE Select); 1 bases downstream of the stop codon, A replaced by G.
Molecular consequence: 3 prime UTR variant.
Genome position (GRCh38, 1-based): chr12:98,547,859, A>G. VCF-style: chr12-98547859-A-G. GRCh37 (hg19) VCF-style: chr12-98941637-A-G.
Other names: c.*1A>G (NM_001032284.3, NM_001307975.2).
Identifiers: ClinVar variation 165478 (VCV000165478.11), dbSNP rs1058300, ClinGen allele CA178249.
Genomic context (GRCh38, chr12:98,547,859, plus strand): 5'-ACCAACCAAGTAAATCCCTTCTCTAATTTTCTTCATGTTGACCCTAGAAAATCCAACTGA[A>G]TGGTATCTCTTTGGCACGTTCAACTTGGTCTCCTATTTTCAATAACTGTTGAAAAACATT-3'

ClinVar aggregate classification (germline): Benign/Likely benign. Review status: criteria provided, multiple submitters, no conflicts (2 of 4 stars). 4 submissions from 4 submitters: Benign (1); Likely benign (2). 1 of the submissions does not count toward it. Last evaluated 2018-10-03.

Conditions:
TMPO-related disorder. Also called: TMPO-related condition.

Allele frequency attached by ClinVar (database versions not stated): gnomAD 0.00324 and 0.00328; gnomAD exomes 0.00444 and 0.00352; 1000 Genomes Project 30x 0.00281; TOPMed 0.00356; ESP Exome Variant Server 0.00431; 1000 Genomes Project 0.00280; ExAC 0.00370.

Submissions (4):

GeneDx
Classification: Benign. Last evaluated: 2018-10-03. Review status: criteria provided, single submitter. Criteria: GeneDx Variant Classification Process June 2021. Collection method: clinical testing. Allele origin: germline. Affected: yes.

Laboratory for Molecular Medicine, Mass General Brigham Personalized Medicine
Classification: Likely benign. Last evaluated: 2012-03-19. Review status: criteria provided, single submitter. Criteria: LMM Criteria. Collection method: clinical testing. Allele origin: germline. Observed: 9 variant alleles.
Comment: c.*1A>G in exon 9 of TMPO: This variant is not expected to have clinical signifi cance because it has been identified in 0.6% (40/7020) of European American chro mosomes from a broad population by the NHLBI Exome Sequencing Project (s.; dbSNP rs1058300).

Breakthrough Genomics
Classification: Likely benign. Review status: criteria provided, single submitter. Criteria: ACMG Guidelines, 2015. Collection method: not provided. Allele origin: germline. Inheritance: Unknown mechanism. Affected: yes.

PreventionGenetics, part of Exact Sciences
Classification: Likely benign for TMPO-related condition. Last evaluated: 2024-06-06. Review status: no assertion criteria provided. Collection method: clinical testing. Allele origin: germline. Not counted in ClinVar's aggregate classification.
Comment: This variant is classified as likely benign based on ACMG/AMP sequence variant interpretation guidelines (Richards et al. 2015 PMID: 25741868, with internal and published modifications).